The following is an entry in ClinVar:

ClinVar aggregate classification (germline): Uncertain significance. Review status: criteria provided, multiple submitters, no conflicts (2 of 4 stars). 2 submissions from 2 submitters: Uncertain significance (2). Last evaluated 2024-06-28.

Conditions:
Inborn genetic diseases. Identifiers: MedGen C0950123, MeSH D030342.
46,XY sex reversal 2. Also called: 46,XY SEX REVERSAL, DAX1-RELATED; 46XY sex reversal 2, dosage-sensitive; NR0B1-Related 46,XY CGD; NR0B1-related 46,XY complete gonadal dysgenesis; Dosage-sensitive sex reversal. Identifiers: MedGen C1848296, MONDO:0010226, OMIM 300018.
Congenital adrenal hypoplasia, X-linked (AHC). Also called: Isolated X-Linked Adrenal Hypoplasia Congenita; ADRENAL HYPOPLASIA, CONGENITAL, WITH HYPOGONADOTROPIC HYPOGONADISM; X-linked AHC; X-Linked Adrenal Hypoplasia Congenita. Identifiers: Orphanet 95702, MedGen C0342482, MONDO:0010264, OMIM 300200. Disease mechanism: loss of function.

Allele frequency attached by ClinVar (database versions not stated): gnomAD 0.00005; TOPMed 0.00005; ExAC 0.00008; gnomAD exomes 0.00008; ESP Exome Variant Server 0.00009.

Submissions (2):

Labcorp Genetics (formerly Invitae), Labcorp
Classification: Uncertain significance for Congenital adrenal hypoplasia, X-linked; 46,XY sex reversal 2. Last evaluated: 2024-06-28. Review status: criteria provided, single submitter. Criteria: Invitae Variant Classification Sherloc (09022015). Collection method: clinical testing. Allele origin: germline.
Comment: This sequence change replaces proline, which is neutral and non-polar, with histidine, which is basic and polar, at codon 335 of the NR0B1 protein (p.Pro335His). This variant is present in population databases (rs374818572, gnomAD 0.01%), including at least one homozygous and/or hemizygous individual. This variant has not been reported in the literature in individuals affected with NR0B1-related conditions. Advanced modeling of protein sequence and biophysical properties (such as structural, functional, and spatial information, amino acid conservation, physicochemical variation, residue mobility, and thermodynamic stability) performed at Invitae indicates that this missense variant is not expected to disrupt NR0B1 protein function with a negative predictive value of 80%. In summary, the available evidence is currently insufficient to determine the role of this variant in disease. Therefore, it has been classified as a Variant of Uncertain Significance.

Ambry Genetics
Classification: Uncertain significance for Inborn genetic diseases. Last evaluated: 2023-12-27. Review status: criteria provided, single submitter. Criteria: Ambry Variant Classification Scheme 2023. Collection method: clinical testing. Allele origin: germline.

NM_000475.5(NR0B1):c.1004C>A (p.Pro335His)

Gene: NR0B1 (nuclear receptor subfamily 0 group B member 1; minus strand). Cytogenetic location: Xp21.2.
Variant type: single nucleotide variant.
Coding change: c.1004C>A on transcript NM_000475.5 (MANE Select); coding-DNA position 1004, C replaced by A.
Protein change: p.Pro335His; replaces proline 335 with histidine.
Molecular consequence: missense variant.
Genome position (GRCh38, 1-based): chrX:30,308,360, G>T on the plus strand (C>A on the coding strand, the complement: NR0B1 is on the minus strand). VCF-style: chrX-30308360-G-T. GRCh37 (hg19) VCF-style: chrX-30326477-G-T.
Other names: short protein forms P335H.
Identifiers: ClinVar variation 3201854 (VCV003201854.2), dbSNP rs374818572, ClinGen allele CA10376324.